The following is an entry in ClinVar:

NM_001482.3(GATM):c.10G>C (p.Val4Leu)

Genes: GATM (glycine amidinotransferase; minus strand), LOC130056991 (ATAC-STARR-seq lymphoblastoid silent region 6406; plus strand). Cytogenetic location: 15q21.1.
Variant type: single nucleotide variant.
Coding change: c.10G>C on transcript NM_001482.3 (MANE Select); coding-DNA position 10, G replaced by C.
Protein change: p.Val4Leu; replaces valine 4 with leucine.
Molecular consequence: missense variant. On other transcripts: intron variant (1).
Genome position (GRCh38, 1-based): chr15:45,378,444, C>G on the plus strand (G>C on the coding strand, the complement: GATM is on the minus strand). VCF-style: chr15-45378444-C-G. GRCh37 (hg19) VCF-style: chr15-45670642-C-G.
Other names: c.-318-1625G>C (NM_001321015.2); short protein forms V4L.
Identifiers: ClinVar variation 2109876 (VCV002109876.4), dbSNP rs1252937232, ClinGen allele CA392266732.

ClinVar aggregate classification (germline): Uncertain significance (1 of 4 stars; one submission).

Conditions:
Arginine:glycine amidinotransferase deficiency (CCDS3). Also called: Cerebral creatine deficiency syndrome 3; AGAT deficiency; L-Arginine:Glycine Amidinotransferase (AGAT) Deficiency; L-Arginine:Glycine Amidinotransferase Deficiency; Creatine deficiency syndrome due to AGAT deficiency; GATM deficiency. Identifiers: Orphanet 35704, MedGen C2675179, MONDO:0012996, OMIM 612718.

Submission:

Labcorp Genetics (formerly Invitae), Labcorp
Classification: Uncertain significance for Arginine:glycine amidinotransferase deficiency. Last evaluated: 2023-03-02. Review status: criteria provided, single submitter. Criteria: Invitae Variant Classification Sherloc (09022015). Collection method: clinical testing. Allele origin: germline.
Comment: This sequence change replaces valine, which is neutral and non-polar, with leucine, which is neutral and non-polar, at codon 4 of the GATM protein (p.Val4Leu). This variant is not present in population databases (gnomAD no frequency). This variant has not been reported in the literature in individuals affected with GATM-related conditions. ClinVar contains an entry for this variant (Variation ID: 2109876). An algorithm developed to predict the effect of missense changes on protein structure and function (PolyPhen-2) suggests that this variant is likely to be tolerated. In summary, the available evidence is currently insufficient to determine the role of this variant in disease. Therefore, it has been classified as a Variant of Uncertain Significance.